The following is an entry in ClinVar:

ClinVar aggregate classification (germline): Uncertain significance (1 of 4 stars; one submission).

Submission:

Labcorp Genetics (formerly Invitae), Labcorp
Classification: Uncertain significance. Last evaluated: 2021-08-16. Review status: criteria provided, single submitter. Criteria: Invitae Variant Classification Sherloc (09022015). Collection method: clinical testing. Allele origin: germline.
Comment: This sequence change falls in intron 1 of the TONSL gene. It does not directly change the encoded amino acid sequence of the TONSL protein. It affects a nucleotide within the consensus splice site of the intron. The frequency data for this variant in the population databases is considered unreliable, as metrics indicate insufficient coverage at this position in the ExAC database. In summary, the available evidence is currently insufficient to determine the role of this variant in disease. Therefore, it has been classified as a Variant of Uncertain Significance. Variants that disrupt the consensus splice site are a relatively common cause of aberrant splicing (PMID: 17576681, 9536098). Algorithms developed to predict the effect of sequence changes on RNA splicing suggest that this variant may disrupt the consensus splice site. This variant has not been reported in the literature in individuals affected with TONSL-related conditions.

Literature cited by the submitters: PubMed 17576681; PubMed 9536098.

NM_013432.5(TONSL):c.25+3A>G

Genes: TONSL (tonsoku like, DNA repair protein; minus strand), LOC130001399 (ATAC-STARR-seq lymphoblastoid silent region 19685; plus strand). Cytogenetic location: 8q24.3.
Variant type: single nucleotide variant.
Coding change: c.25+3A>G on transcript NM_013432.5 (MANE Select); 3 bases into the intron after coding-DNA position 25, A replaced by G.
Molecular consequence: intron variant.
Genome position (GRCh38, 1-based): chr8:144,444,387, T>C on the plus strand (A>G on the coding strand, the complement: TONSL is on the minus strand). VCF-style: chr8-144444387-T-C. GRCh37 (hg19) VCF-style: chr8-145669770-T-C.
Identifiers: ClinVar variation 1513073 (VCV001513073.6), dbSNP rs2129706906, ClinGen allele CA2573143028.